The following is an entry in ClinVar:

ClinVar aggregate classification (germline): Uncertain significance (1 of 4 stars; one submission).

Submission:

GeneDx
Classification: Uncertain significance. Last evaluated: 2014-02-28. Review status: criteria provided, single submitter. Criteria: GeneDx Variant Classification (06012015). Collection method: clinical testing. Allele origin: germline. Affected: yes.
Comment: Missense variants in the TTN gene are considered 'unclassified' if they are not previously reported in the literature and do not have >1% frequency in the population to be considered a polymorphism. Research indicates that truncating mutations in the TTN gene are expected to account for approximately 25% of familial and 18% of sporadic idiopathic DCM; however, truncating variants in the TTN gene have been reported in approximately 3% of reported control alleles. There has been little investigation into non-truncating variants. (Herman D et al. Truncations of titin causing dilated cardiomyopathy. N Eng J Med 366:619-628, 2012) The variant is found in DCM-CRDM panel(s).

NM_001267550.2(TTN):c.4441G>A (p.Val1481Ile)

Genes: TTN (titin; minus strand), LOC101927055 (uncharacterized LOC101927055; plus strand). Cytogenetic location: 2q31.2.
Variant type: single nucleotide variant.
Coding change: c.4441G>A on transcript NM_001267550.2 (MANE Select); coding-DNA position 4441, G replaced by A.
Protein change: p.Val1481Ile; replaces valine 1481 with isoleucine.
Molecular consequence: missense variant. On other transcripts: non-coding transcript variant (1).
Genome position (GRCh38, 1-based): chr2:178,777,743, C>T on the plus strand (G>A on the coding strand, the complement: TTN is on the minus strand). VCF-style: chr2-178777743-C-T. GRCh37 (hg19) VCF-style: chr2-179642470-C-T.
Other names: p.V1481I:GTT>ATT; c.4303G>A, p.Val1435Ile (NM_003319.4, NM_133432.3, NM_133437.4); c.4441G>A, p.Val1481Ile (NM_133378.4, NM_133379.5, NM_001256850.1); short protein forms V1481I, V1435I.
Identifiers: ClinVar variation 203130 (VCV000203130.2), dbSNP rs794729574, ClinGen allele CA311354.